The following is an entry in ClinVar:

ClinVar aggregate classification (germline): Likely benign. Review status: criteria provided, multiple submitters, no conflicts (2 of 4 stars). 2 submissions from 2 submitters: Likely benign (2). Last evaluated 2025-08-14.

Conditions:
CEP290-related disorder. Also called: CEP290-related disorders; CEP290-related condition. Identifiers: MedGen CN239314.
Meckel-Gruber syndrome. Also called: Dysencephalia splachnocystica; DYSENCEPHALIA SPLANCHNOCYSTICA; GRUBER SYNDROME. Identifiers: Orphanet 564, MedGen C0265215, MONDO:0018921.
Joubert syndrome. Also called: Familial aplasia of the vermis; JOUBERT-BOLTSHAUSER SYNDROME. Identifiers: Orphanet 475, MedGen C5979921, MONDO:0018772.
Nephronophthisis. Also called: Juvenile Nephronophthisis. Identifiers: Orphanet 655, MedGen C0687120, MONDO:0019005, HP:0000090.

Allele frequency attached by ClinVar (database versions not stated): gnomAD exomes below 0.00001; ExAC 0.00001; ESP Exome Variant Server 0.00008.
gnomAD v4.1: 1 of 1,602,506 alleles (0.000062%); highest among the groups gnomAD compares: Non-Finnish European, 0.000085%; no homozygotes.

Submissions (2):

Labcorp Genetics (formerly Invitae), Labcorp
Classification: Likely benign for Joubert syndrome; Meckel-Gruber syndrome; Nephronophthisis. Last evaluated: 2025-08-14. Review status: criteria provided, single submitter. Criteria: Invitae Variant Classification Sherloc (09022015). Collection method: clinical testing. Allele origin: germline.

PreventionGenetics, part of Exact Sciences
Classification: Likely benign for CEP290-related condition. Last evaluated: 2025-04-16. Review status: criteria provided, single submitter. Criteria: ACMG Guidelines, 2015. Collection method: clinical testing. Allele origin: germline.
Comment: This variant is classified as likely benign based on ACMG/AMP sequence variant interpretation guidelines (Richards et al. 2015 PMID: 25741868, with internal and published modifications).

NM_025114.4(CEP290):c.1190-6C>G

Gene: CEP290 (centrosomal protein 290; minus strand). Cytogenetic location: 12q21.32.
Variant type: single nucleotide variant.
Coding change: c.1190-6C>G on transcript NM_025114.4 (MANE Select); 6 bases into the intron before coding-DNA position 1190, C replaced by G.
Molecular consequence: intron variant.
Genome position (GRCh38, 1-based): chr12:88,121,172, G>C on the plus strand (C>G on the coding strand, the complement: CEP290 is on the minus strand). VCF-style: chr12-88121172-G-C. GRCh37 (hg19) VCF-style: chr12-88514949-G-C.
Other names: c.1190-6C>G (NM_025114.3).
Identifiers: ClinVar variation 2942935 (VCV002942935.4), dbSNP rs373668917, ClinGen allele CA6712609.